The following is an entry in ClinVar:

NM_012243.3(SLC35A3):c.405A>C (p.Lys135Asn)

Gene: SLC35A3 (solute carrier family 35 member A3; plus strand). Cytogenetic location: 1p21.2.
Variant type: single nucleotide variant.
Coding change: c.405A>C on transcript NM_012243.3 (MANE Select); coding-DNA position 405, A replaced by C.
Protein change: p.Lys135Asn; replaces lysine 135 with asparagine.
Molecular consequence: missense variant.
Genome position (GRCh38, 1-based): chr1:100,007,096, A>C. VCF-style: chr1-100007096-A-C. GRCh37 (hg19) VCF-style: chr1-100472652-A-C.
Other names: c.405A>C, p.Lys135Asn (NM_001271684.2); c.531A>C, p.Lys177Asn (NM_001271685.2); c.405A>C (NM_012243.1); short protein forms K135N, K177N.
Identifiers: ClinVar variation 474761 (VCV000474761.8), dbSNP rs754559092, ClinGen allele CA967584.
Genomic context (GRCh38, chr1:100,007,096, plus strand): 5'-CACGTATCAGTTAAAAATTCTTACAACAGCATTATTTTCTGTGTCTATGCTTAGTAAAAA[A>C]TTGGGTGTATACCAGTGGCTGTCCCTAGTAATTTTGATGACAGGAGTTGCTTTTGTACAG-3'
Protein context (NP_036375.1, residues 125-145): ALFSVSMLSK[Lys135Asn]LGVYQWLSLV

ClinVar aggregate classification (germline): Uncertain significance. Review status: criteria provided, multiple submitters, no conflicts (2 of 4 stars). 2 submissions from 2 submitters: Uncertain significance (2). Last evaluated 2025-01-26.

Conditions:
Inborn genetic diseases. Identifiers: MedGen C0950123, MeSH D030342.
Autism spectrum disorder - epilepsy - arthrogryposis syndrome (AMRS). Identifiers: Orphanet 370943, MedGen C3809910, MONDO:0014248, OMIM 615553.

Allele frequency attached by ClinVar (database versions not stated): gnomAD exomes below 0.00001 and 0.00001; TOPMed 0.00001; ExAC 0.00001; gnomAD 0.00001.
gnomAD v4.1: 7 of 1,613,042 alleles (0.00043%); highest among the groups gnomAD compares: Admixed American, 0.0083%; no homozygotes.

Submissions (2):

Ambry Genetics
Classification: Uncertain significance for Inborn genetic diseases. Last evaluated: 2025-01-26. Review status: criteria provided, single submitter. Criteria: Ambry Variant Classification Scheme 2023. Collection method: clinical testing. Allele origin: germline.

Labcorp Genetics (formerly Invitae), Labcorp
Classification: Uncertain significance for Autism spectrum disorder - epilepsy - arthrogryposis syndrome. Last evaluated: 2021-08-24. Review status: criteria provided, single submitter. Criteria: Invitae Variant Classification Sherloc (09022015). Collection method: clinical testing. Allele origin: germline.
Comment: This sequence change replaces lysine with asparagine at codon 135 of the SLC35A3 protein (p.Lys135Asn). The lysine residue is highly conserved and there is a moderate physicochemical difference between lysine and asparagine. This variant is present in population databases (rs754559092, ExAC 0.009%). This variant has not been reported in the literature in individuals affected with SLC35A3-related conditions. Algorithms developed to predict the effect of missense changes on protein structure and function are either unavailable or do not agree on the potential impact of this missense change (SIFT: "Deleterious"; PolyPhen-2: "Benign"; Align-GVGD: "Class C0"). In summary, the available evidence is currently insufficient to determine the role of this variant in disease. Therefore, it has been classified as a Variant of Uncertain Significance.